The following is an entry in ClinVar:

ClinVar aggregate classification (germline): Uncertain significance (1 of 4 stars; one submission).

Conditions:
Charcot-Marie-Tooth disease recessive intermediate C. Also called: CHARCOT-MARIE-TOOTH NEUROPATHY, RECESSIVE INTERMEDIATE C. Identifiers: Orphanet 369867, MedGen C3809309, MONDO:0014154, OMIM 615376.
Neuronopathy, distal hereditary motor, autosomal recessive 4. Also called: Autosomal recessive lower motor neuron disease with childhood onset; NEUROPATHY, DISTAL HEREDITARY MOTOR, AUTOSOMAL RECESSIVE 4. Identifiers: Orphanet 206580, MedGen C1970211, MONDO:0012608, OMIM 611067.

Allele frequency attached by ClinVar (database versions not stated): gnomAD 0.00003; TOPMed 0.00003.

Submission:

Labcorp Genetics (formerly Invitae), Labcorp
Classification: Uncertain significance for Neuronopathy, distal hereditary motor, autosomal recessive 4; Charcot-Marie-Tooth disease recessive intermediate C. Last evaluated: 2022-01-14. Review status: criteria provided, single submitter. Criteria: Invitae Variant Classification Sherloc (09022015). Collection method: clinical testing. Allele origin: germline.
Comment: This sequence change replaces isoleucine, which is neutral and non-polar, with methionine, which is neutral and non-polar, at codon 390 of the PLEKHG5 protein (p.Ile390Met). The frequency data for this variant in the population databases is considered unreliable, as metrics indicate poor data quality at this position in the gnomAD database. This variant has not been reported in the literature in individuals affected with PLEKHG5-related conditions. ClinVar contains an entry for this variant (Variation ID: 663300). Algorithms developed to predict the effect of missense changes on protein structure and function are either unavailable or do not agree on the potential impact of this missense change (SIFT: "Deleterious"; PolyPhen-2: "Possibly Damaging"; Align-GVGD: "Class C0"). In summary, the available evidence is currently insufficient to determine the role of this variant in disease. Therefore, it has been classified as a Variant of Uncertain Significance.

NM_020631.6(PLEKHG5):c.1170C>G (p.Ile390Met)

Gene: PLEKHG5 (pleckstrin homology and RhoGEF domain containing G5; minus strand). Cytogenetic location: 1p36.31.
Variant type: single nucleotide variant.
Coding change: c.1170C>G on transcript NM_020631.6 (MANE Select); coding-DNA position 1170, C replaced by G.
Protein change: p.Ile390Met; replaces isoleucine 390 with methionine.
Molecular consequence: missense variant.
Genome position (GRCh38, 1-based): chr1:6,471,599, G>C on the plus strand (C>G on the coding strand, the complement: PLEKHG5 is on the minus strand). VCF-style: chr1-6471599-G-C. GRCh37 (hg19) VCF-style: chr1-6531659-G-C.
Other names: c.1281C>G, p.Ile427Met (NM_001042663.3, NM_001265592.2); c.1170C>G, p.Ile390Met (NM_001042664.2, NM_001042665.2, NM_001265594.3 and 1 more transcripts); c.1377C>G, p.Ile459Met (NM_001265593.2); short protein forms I459M, I390M, I427M.
Identifiers: ClinVar variation 663300 (VCV000663300.6), dbSNP rs771928245, ClinGen allele CA561611.
Genomic context (GRCh38, chr1:6,471,599, plus strand): 5'-CCGCGCCTTCTCCAGCACCGGCGCCATCACGCTAGCCCACAGCCTGCGGTGCAGCTGCGC[G>C]ATCTCCGGGATGTTGCTGAACAGGCGCTCCGCCTCCACCTGGGCGCGGCGGGAGGTGCGG-3'
Protein context (NP_065682.2, residues 380-400): AERLFSNIPE[Ile390Met]AQLHRRLWAS